The following is an entry in ClinVar:

NM_031935.3(HMCN1):c.785A>C (p.Asn262Thr)

Gene: HMCN1 (hemicentin 1; plus strand). Cytogenetic location: 1q31.1.
Variant type: single nucleotide variant.
Coding change: c.785A>C on transcript NM_031935.3 (MANE Select); coding-DNA position 785, A replaced by C.
Protein change: p.Asn262Thr; replaces asparagine 262 with threonine.
Molecular consequence: missense variant.
Genome position (GRCh38, 1-based): chr1:185,909,500, A>C. VCF-style: chr1-185909500-A-C. GRCh37 (hg19) VCF-style: chr1-185878632-A-C.
Other names: short protein forms N262T.
Identifiers: ClinVar variation 3663709 (VCV003663709.2).

ClinVar aggregate classification (germline): Uncertain significance (1 of 4 stars; one submission).

gnomAD v4.1: 2 of 1,612,854 alleles (0.00012%); highest among the groups gnomAD compares: South Asian, 0.0022%; no homozygotes.

Submission:

Labcorp Genetics (formerly Invitae), Labcorp
Classification: Uncertain significance. Last evaluated: 2024-08-28. Review status: criteria provided, single submitter. Criteria: Invitae Variant Classification Sherloc (09022015). Collection method: clinical testing. Allele origin: germline.
Comment: This sequence change replaces asparagine, which is neutral and polar, with threonine, which is neutral and polar, at codon 262 of the HMCN1 protein (p.Asn262Thr). This variant is not present in population databases (gnomAD no frequency). This variant has not been reported in the literature in individuals affected with HMCN1-related conditions. An algorithm developed to predict the effect of missense changes on protein structure and function (PolyPhen-2) suggests that this variant is likely to be tolerated. In summary, the available evidence is currently insufficient to determine the role of this variant in disease. Therefore, it has been classified as a Variant of Uncertain Significance.